The following is an entry in ClinVar:

ClinVar aggregate classification (germline): Pathogenic/Likely pathogenic. Review status: criteria provided, multiple submitters, no conflicts (2 of 4 stars). 2 submissions from 2 submitters: Pathogenic (1); Likely pathogenic (1). Last evaluated 2022-03-14.

Conditions:
Hereditary spherocytosis type 1. Also called: Spherocytosis type 1; ANK1-Related Spherocytosis. Identifiers: Orphanet 822, MedGen C2674218, MONDO:0008447, OMIM 182900.

Submissions (2):

Labcorp Genetics (formerly Invitae), Labcorp
Classification: Pathogenic. Last evaluated: 2022-03-14. Review status: criteria provided, single submitter. Criteria: Invitae Variant Classification Sherloc (09022015). Collection method: clinical testing. Allele origin: germline.
Comment: This variant has not been reported in the literature in individuals affected with ANK1-related conditions. ClinVar contains an entry for this variant (Variation ID: 1299407). For these reasons, this variant has been classified as Pathogenic. This sequence change creates a premature translational stop signal (p.Gln1489*) in the ANK1 gene. It is expected to result in an absent or disrupted protein product. Loss-of-function variants in ANK1 are known to be pathogenic (PMID: 8640229). This variant is not present in population databases (gnomAD no frequency).

Department of Haematogenetics, ICMR National Institute of Immunohaematology
Classification: Likely pathogenic for Hereditary spherocytosis type 1. Review status: criteria provided, single submitter. Criteria: ACMG Guidelines, 2015. Collection method: research. Allele origin: inherited. Affected: yes.

Literature cited by the submitters: PubMed 8640229 (cited by Labcorp Genetics (formerly Invitae), Labcorp).

NM_000037.4(ANK1):c.4465C>T (p.Gln1489Ter)

Genes: ANK1 (ankyrin 1; minus strand), LOC126860368 (BRD4-independent group 4 enhancer GRCh37_chr8:41541049-41542248; plus strand). Cytogenetic location: 8p11.21.
Variant type: single nucleotide variant.
Coding change: c.4465C>T on transcript NM_000037.4 (MANE Select); coding-DNA position 4465, C replaced by T.
Protein change: p.Gln1489Ter; replaces glutamine 1489 with a stop codon.
Molecular consequence: nonsense.
Genome position (GRCh38, 1-based): chr8:41,684,616, G>A on the plus strand (C>T on the coding strand, the complement: ANK1 is on the minus strand). VCF-style: chr8-41684616-G-A. GRCh37 (hg19) VCF-style: chr8-41542134-G-A.
Other names: c.4588C>T, p.Gln1530Ter (NM_001142446.2); c.4465C>T, p.Gln1489Ter (NM_020475.3, NM_020476.3, NM_020477.3); short protein forms Q1489*, Q1530*.
Identifiers: ClinVar variation 1299407 (VCV001299407.6), dbSNP rs1187228917, ClinGen allele CA371057127.
Genomic context (GRCh38, chr8:41,684,616, plus strand): 5'-AGGGTGACAGCGAGTAGTCGCGGTCGGTGTGCCGCCTGTCTGGCTTCAAGTTGCGGCTCT[G>A]TCGGCCGGAACCCTCCAGCATGTTCACGATCTCGCCACGGTCAATGCTCTGCAGGGCTGT-3'